The following is an entry in ClinVar:

NM_002834.5(PTPN11):c.226G>A (p.Glu76Lys)

Gene: PTPN11 (protein tyrosine phosphatase non-receptor type 11; plus strand). Cytogenetic location: 12q24.13.
Variant type: single nucleotide variant.
Coding change: c.226G>A on transcript NM_002834.5 (MANE Select); coding-DNA position 226, G replaced by A.
Protein change: p.Glu76Lys; replaces glutamic acid 76 with lysine.
Molecular consequence: missense variant.
Genome position (GRCh38, 1-based): chr12:112,450,406, G>A. VCF-style: chr12-112450406-G-A. GRCh37 (hg19) VCF-style: chr12-112888210-G-A.
Other names: p.E76K:GAG>AAG; c.226G>A, p.Glu76Lys (NM_001330437.2, NM_080601.3); c.223G>A, p.Glu75Lys (NM_001374625.1); c.226G>A (NM_002834.4); short protein forms E76K, E75K.
Identifiers: ClinVar variation 13336 (VCV000013336.58), dbSNP rs121918464, ClinGen allele CA123038.

ClinVar aggregate classification (germline): Conflicting classifications of pathogenicity. Review status: criteria provided, conflicting classifications (1 of 4 stars). 11 submissions from 11 submitters: Pathogenic (6); Uncertain significance (1). 4 of the submissions do not count toward it. Last evaluated 2024-12-18.
ClinVar aggregate classification (somatic clinical impact): Tier II - Potential (1 of 4 stars; one submission).
ClinVar aggregate classification (oncogenicity): Oncogenic (1 of 4 stars; one submission).

Conditions:
Malignant neoplastic disease. Also called: Cancer. Identifiers: MedGen C0006826, MONDO:0004992.
PTPN11-related disorder. Also called: PTPN11-Related Disorders.
RASopathy. Also called: rasopathies; Noonan spectrum disorder. Identifiers: Orphanet 536391, MedGen C5555857, MONDO:0021060.
Noonan syndrome (NS). Also called: Noonan's syndrome. Identifiers: Orphanet 648, MedGen C0028326, MeSH D009634, MONDO:0018997. Disease mechanism: gain of function.
Noonan syndrome 1 (NS1). Also called: PTPN11-Related Noonan Syndrome; FEMALE PSEUDO-TURNER SYNDROME; TURNER PHENOTYPE WITH NORMAL KARYOTYPE. Identifiers: Orphanet 648, MedGen C4551602, MONDO:0008104, OMIM 163950. Disease mechanism: gain of function.
Juvenile myelomonocytic leukemia (JMML). Also called: LEUKEMIA, JUVENILE MYELOMONOCYTIC, SOMATIC. Identifiers: Orphanet 86834, MedGen C0349639, MONDO:0011908, OMIM 607785, HP:0012209.
Pilocytic astrocytoma. Also called: Pilocytic astrocytoma, somatic. Identifiers: Orphanet 251612, MedGen C0334583, MONDO:0016691, HP:0033680.
Neoplasm. Also called: Neoplasms; Neoplasm (disease); tumor. Identifiers: MedGen C0027651, MeSH D009369, MONDO:0005070, HP:0002664.

Allele frequency attached by ClinVar (database versions not stated): TOPMed below 0.00001.

Submissions (13):

Center for Genomic Medicine, Rigshospitalet, Copenhagen University Hospital
Classification: Oncogenic for Neoplasm. Last evaluated: 2025-03-04. Review status: criteria provided, single submitter. Criteria: ClinGen/CGC/VICC Guidelines for Oncogenicity, 2022. Collection method: clinical testing. Allele origin: somatic. Affected: yes.

Genomic Medicine Center of Excellence, King Faisal Specialist Hospital and Research Centre
Classification: Pathogenic for Noonan syndrome 1. Last evaluated: 2024-12-18. Review status: criteria provided, single submitter. Criteria: ACMG Guidelines, 2015. Collection method: clinical testing. Allele origin: germline.

Blueprint Genetics
Classification: Pathogenic for PTPN11-related disorders. Last evaluated: 2024-09-23. Review status: criteria provided, single submitter. Criteria: ACMG Guidelines, 2015. Collection method: clinical testing. Allele origin: germline. Affected: yes. Observed: 3 variant alleles.

Labcorp Genetics (formerly Invitae), Labcorp
Classification: Uncertain significance for RASopathy. Last evaluated: 2024-02-03. Review status: criteria provided, single submitter. Criteria: Invitae Variant Classification Sherloc (09022015). Collection method: clinical testing. Allele origin: germline.
Comment: This sequence change replaces glutamic acid, which is acidic and polar, with lysine, which is basic and polar, at codon 76 of the PTPN11 protein (p.Glu76Lys). This variant is not present in population databases (gnomAD no frequency). This missense change has been observed in individual(s) with acute myeloid leukemia, myelodysplastic syndrome, and juvenile myelomonocytic leukemia (JMML) (PMID: 12717436, 14644997, 14982869). ClinVar contains an entry for this variant (Variation ID: 13336). Advanced modeling performed at Invitae incorporating data from internal and/or published experimental studies (Invitae) indicates that this missense variant is expected to disrupt PTPN11 function with a positive predictive value of 95%. Experimental studies have shown that this missense change affects PTPN11 function (PMID: 14974085, 19509418). This variant disrupts the p.Glu76 amino acid residue in PTPN11. Other variant(s) that disrupt this residue have been determined to be pathogenic (PMID: 11704759, 12634870, 16830086, 18678287). This suggests that this residue is clinically significant, and that variants that disrupt this residue are likely to be disease-causing. In summary, the available evidence is currently insufficient to determine the role of this variant in disease. Therefore, it has been classified as a Variant of Uncertain Significance.

Institute for Genomic Medicine (IGM) Clinical Laboratory, Nationwide Children's Hospital
Classification: Tier II - Potential for Pilocytic astrocytoma. Assertion type: diagnostic. Clinical significance: supports diagnosis. Last evaluated: 2023-08-23. Review status: criteria provided, single submitter. Criteria: AMP/ASCO/CAP Guidelines, 2017. Collection method: clinical testing. Allele origin: somatic. Affected: yes.
Comment: Variant has Tier II (potential) clinical significance as a diagnostic inclusion criterion in pilocytic astrocytoma, based on the following evidence: 1) Documented in one or more cancer databases (e.g., St. Jude Pecan, COSMIC, CIViC, OncoKB). 2) Diagnostic significance based on multiple small studies (Evidence Level C; PMIDs: 19621452, 23817572, 28912153, 32164789).

CeGaT Center for Human Genetics Tuebingen
Classification: Pathogenic. Last evaluated: 2023-01-01. Review status: criteria provided, single submitter. Criteria: CeGaT Center For Human Genetics Tuebingen Variant Classification Criteria Version 2. Collection method: clinical testing. Allele origin: germline. Affected: yes. Observed: 1 variant allele.
Comment: PTPN11: PM1, PM2, PM5, PP2, PP3, PS3:Supporting, PS4:Supporting

GeneDx
Classification: Pathogenic. Last evaluated: 2021-06-03. Review status: criteria provided, single submitter. Criteria: GeneDx Variant Classification Process June 2021. Collection method: clinical testing. Allele origin: germline. Affected: yes.
Comment: Reported in published literature in patients with juvenile myelomonocytic leukemia (Kratz et al., 2005); Reported in published literature in association with somatic hematologic malignancies (Tartaglia et al., 2006); Published functional studies demonstrate a damaging effect on protein function and structure (Tartaglia et al., 2006; Gagne-Sansfaon et al., 2016); The majority of missense variants in this gene are considered pathogenic (Stenson et al., 2014); In silico analysis, which includes protein predictors and evolutionary conservation, supports a deleterious effect; Not observed at a significant frequency in large population cohorts (Lek et al., 2016); This variant is associated with the following publications: (PMID: 22391158, 17177198, 29206716, 27582544, 15928039, 16358218, 9491886, 16053901, 11992261, 29493581, 27535533, 27783593, 23825065, 31222725, 15842656, 15385933, 14982869, 32697817, 12717436, 21930766, 19047918, 18470943, 14644997)

Laboratory for Molecular Medicine, Mass General Brigham Personalized Medicine
Classification: Pathogenic for Juvenile myelomonocytic leukemia. Last evaluated: 2019-06-21. Review status: criteria provided, single submitter. Criteria: LMM Criteria. Collection method: clinical testing. Allele origin: somatic. Observed: 1 variant allele.
Comment: The p.Glu76Lys variant in PTPN11 is an established pathogenic variant that has been identified as a somatic change in >40 individuals with JMML (Tartaglia 2003, Loh 2004, Kratz 2005, Tartaglia 2005, Aoki 2008, Yoshida 2009) and is absent from large population studies. In vitro and in vivo functional studies show that this variant has a strong gain of function impact (Tartaglia 2003, Loh 2004, Xu 2011, Yu 2013, Chang 2016, Dong 2016). Several other variants involving this codon have been identified in individuals with Noonan syndrome and/or hematological malignancies. In summary, this variant meets criteria to be classified as pathogenic for JMML.

Rady Children's Institute for Genomic Medicine, Rady Children's Hospital San Diego
Classification: Pathogenic for PTPN11-Related Disorders. Review status: criteria provided, single submitter. Criteria: ACMG Guidelines, 2015. Collection method: clinical testing. Allele origin: germline. Affected: yes.
Comment: This variant has not been previously reported as a germline variant to our knowledge; however, it has been observed as a somatic variant in individuals with acute myeloid leukemia, myelodysplastic syndrome, and juvenile myelomonocytic leukemia (PMID:14644997, 14982869, 12717436). This variant is in the N-SH2 domain, which is a hotspot domain for pathogenic variants associated with PTPN11 - related disorders. Different amino acid changes at the same residue (p.Glu76Asp, p.Glu76Gln, p.Glu76Gly, p.Glu76Val) have been previously reported in individuals with Noonan syndrome and/or hematological malignancies (PMID: 16830086, 11704759, 18678287, 12634870). Functional studies showed that the c.226G>A (p.Glu76Lys) variant has a gain-of-function effect on the PTPN11 protein (PMID: 14974085, 19509418, 27783593). It is absent from the gnomAD population database and thus is presumed to be rare. The c.226G>A (p.Glu76Lys) variant is predicted by multiple in silico tools to have a deleterious effect on protein function. Analysis of the parental samples was negative for the variant, indicating this variant likely occurred as a de novo event. Based on the available evidence, the c.226G>A (p.Glu76Lys) variant is classified as Pathogenic.

ARUP Laboratories, Molecular Genetics and Genomics, ARUP Laboratories
Classification: Pathogenic for Noonan syndrome. Last evaluated: 2013-05-10. Review status: no assertion criteria provided. Collection method: clinical testing. Allele origin: somatic. Affected: yes. Observed: 1 variant allele. Not counted in ClinVar's aggregate classification.

OMIM
Classification: Pathogenic for LEUKEMIA, JUVENILE MYELOMONOCYTIC, SOMATIC. Last evaluated: 2003-06-01. Review status: no assertion criteria provided. Collection method: literature only. Allele origin: somatic. Not counted in ClinVar's aggregate classification.

Baylor Genetics
Classification: Pathogenic for Rasopathy. Review status: no assertion criteria provided. Collection method: clinical testing. Allele origin: unknown. Affected: yes. Not counted in ClinVar's aggregate classification.
Comment: Variant classified using ACMG guidelines

Investigational Cancer Therapeutics, MD Anderson Cancer Center
Classification: Uncertain significance for cancer. Review status: no assertion criteria provided. Collection method: research. Allele origin: unknown. Not counted in ClinVar's aggregate classification.

Literature cited by the submitters: PubMed 17942397 (cited by Center for Genomic Medicine, Rigshospitalet, Copenhagen University Hospital); PubMed 29568093 (cited by Center for Genomic Medicine, Rigshospitalet, Copenhagen University Hospital); PubMed 31807022 (cited by Center for Genomic Medicine, Rigshospitalet, Copenhagen University Hospital); PubMed 26755576 (cited by Center for Genomic Medicine, Rigshospitalet, Copenhagen University Hospital); PubMed 34555844 (cited by Center for Genomic Medicine, Rigshospitalet, Copenhagen University Hospital); PubMed 12717436 (cited by 4 submitters); PubMed 14644997 (cited by Labcorp Genetics (formerly Invitae), Labcorp and Laboratory for Molecular Medicine, Mass General Brigham Personalized Medicine); PubMed 14982869 (cited by Labcorp Genetics (formerly Invitae), Labcorp); PubMed 14974085 (cited by Labcorp Genetics (formerly Invitae), Labcorp); PubMed 19509418 (cited by Labcorp Genetics (formerly Invitae), Labcorp); PubMed 11704759 (cited by Labcorp Genetics (formerly Invitae), Labcorp); PubMed 12634870 (cited by Labcorp Genetics (formerly Invitae), Labcorp); PubMed 16830086 (cited by Labcorp Genetics (formerly Invitae), Labcorp); PubMed 18678287 (cited by Labcorp Genetics (formerly Invitae), Labcorp); PubMed 19621452 (cited by Institute for Genomic Medicine (IGM) Clinical Laboratory, Nationwide Children's Hospital); PubMed 23817572 (cited by Institute for Genomic Medicine (IGM) Clinical Laboratory, Nationwide Children's Hospital); PubMed 28912153 (cited by Institute for Genomic Medicine (IGM) Clinical Laboratory, Nationwide Children's Hospital); PubMed 32164789 (cited by Institute for Genomic Medicine (IGM) Clinical Laboratory, Nationwide Children's Hospital); PubMed 27783593 (cited by Laboratory for Molecular Medicine, Mass General Brigham Personalized Medicine); PubMed 21930766 (cited by Laboratory for Molecular Medicine, Mass General Brigham Personalized Medicine); PubMed 26619011 (cited by Laboratory for Molecular Medicine, Mass General Brigham Personalized Medicine); PubMed 23825065 (cited by Laboratory for Molecular Medicine, Mass General Brigham Personalized Medicine); PubMed 18470943 (cited by Laboratory for Molecular Medicine, Mass General Brigham Personalized Medicine); PubMed 15928039 (cited by Laboratory for Molecular Medicine, Mass General Brigham Personalized Medicine); PubMed 15842656 (cited by Laboratory for Molecular Medicine, Mass General Brigham Personalized Medicine); PubMed 15385933 (cited by Laboratory for Molecular Medicine, Mass General Brigham Personalized Medicine); PubMed 19047918 (cited by Laboratory for Molecular Medicine, Mass General Brigham Personalized Medicine).